The following is an entry in ClinVar:

ClinVar aggregate classification (germline): Pathogenic (1 of 4 stars; one submission).

Conditions:
Tuberous sclerosis 1 (TSC1). Identifiers: Orphanet 805, MedGen C1854465, MONDO:0008612, OMIM 191100.

Submission:

Labcorp Genetics (formerly Invitae), Labcorp
Classification: Pathogenic for Tuberous sclerosis 1. Last evaluated: 2018-03-24. Review status: criteria provided, single submitter. Criteria: Invitae Variant Classification Sherloc (09022015). Collection method: clinical testing. Allele origin: germline.
Comment: For these reasons, this variant has been classified as Pathogenic. Loss-of-function variants in TSC1 are known to be pathogenic (PMID: 10227394, 17304050). This variant has not been reported in the literature in individuals with TSC1-related disease. This variant is not present in population databases (ExAC no frequency). This sequence change creates a premature translational stop signal (p.Pro333Ilefs*7) in the TSC1 gene. It is expected to result in an absent or disrupted protein product.

Literature cited by the submitters: PubMed 10227394; PubMed 17304050.

NM_000368.5(TSC1):c.997_998del (p.Pro333fs)

Gene: TSC1 (TSC complex subunit 1; minus strand). Cytogenetic location: 9q34.13.
Variant type: Deletion.
Coding change: c.997_998del on transcript NM_000368.5 (MANE Select); coding-DNA positions 997 to 998, 2 bases deleted (CC; older notation c.997_998delCC).
Protein change: p.Pro333fs; shifts the reading frame from proline 333.
Molecular consequence: frameshift variant.
Genome position (GRCh38, 1-based): chr9:132,911,484-132,911,485, GG deleted on the plus strand (CC on the coding strand, the reverse complement: TSC1 is on the minus strand); deleting any 2 consecutive bases within chr9:132,911,484-132,911,487 gives the same sequence; the c. name uses the placement nearest the transcript's 3' end. VCF-style (leftmost placement, unchanged base first): chr9-132911483-TGG-T. GRCh37 (hg19) VCF-style: chr9-135786870-TGG-T.
Other names: c.997_998delCC (NM_000368.4); c.997_998del, p.Pro333fs (NM_001162426.2); c.844_845del, p.Pro282fs (NM_001162427.2); c.634_635del, p.Pro212fs (NM_001362177.2); short protein forms P282fs, P212fs, P333fs.
Identifiers: ClinVar variation 565594 (VCV000565594.6), dbSNP rs1564488773, ClinGen allele CA891843444.